The following is an entry in ClinVar:

ClinVar aggregate classification (germline): Uncertain significance (1 of 4 stars; one submission).

Submission:

Labcorp Genetics (formerly Invitae), Labcorp
Classification: Uncertain significance. Last evaluated: 2023-12-02. Review status: criteria provided, single submitter. Criteria: Invitae Variant Classification Sherloc (09022015). Collection method: clinical testing. Allele origin: germline.
Comment: This sequence change replaces histidine, which is basic and polar, with asparagine, which is neutral and polar, at codon 1691 of the SPTB protein (p.His1691Asn). This variant is not present in population databases (gnomAD no frequency). This variant has not been reported in the literature in individuals affected with SPTB-related conditions. An algorithm developed to predict the effect of missense changes on protein structure and function (PolyPhen-2) suggests that this variant is likely to be tolerated. In summary, the available evidence is currently insufficient to determine the role of this variant in disease. Therefore, it has been classified as a Variant of Uncertain Significance.

NM_001355436.2(SPTB):c.5071C>A (p.His1691Asn)

Gene: SPTB (spectrin beta, erythrocytic; minus strand). Cytogenetic location: 14q23.3.
Variant type: single nucleotide variant.
Coding change: c.5071C>A on transcript NM_001355436.2 (MANE Select); coding-DNA position 5071, C replaced by A.
Protein change: p.His1691Asn; replaces histidine 1691 with asparagine.
Molecular consequence: missense variant.
Genome position (GRCh38, 1-based): chr14:64,773,327, G>T on the plus strand (C>A on the coding strand, the complement: SPTB is on the minus strand). VCF-style: chr14-64773327-G-T. GRCh37 (hg19) VCF-style: chr14-65240045-G-T.
Other names: c.5071C>A, p.His1691Asn (NM_001024858.4, NM_001355437.2); short protein forms H1691N.
Identifiers: ClinVar variation 2767298 (VCV002767298.3), dbSNP rs2082307149, ClinGen allele CA390042201.